The following is an entry in ClinVar:

NM_020732.3:c.5320C>G

Gene: ARID1B (AT-rich interaction domain 1B; plus strand).
Variant type: single nucleotide variant.
Other names: c.5320C>G (NM_020732.3).
Identifiers: ClinVar variation 4584938 (VCV004584938.1).

ClinVar aggregate classification (germline): Uncertain significance (1 of 4 stars; one submission).

Conditions:
Inborn genetic diseases. Identifiers: MedGen C0950123, MeSH D030342.

Submission:

Ambry Genetics
Classification: Uncertain significance for Inborn genetic diseases. Last evaluated: 2025-12-09. Review status: criteria provided, single submitter. Criteria: Ambry Variant Classification Scheme 2023. Collection method: clinical testing. Allele origin: germline.
Comment: The c.5320C>G (p.P1774A) alteration is located in exon 20 (coding exon 20) of the ARID1B gene. This alteration results from a C to G substitution at nucleotide position 5320, causing the proline (P) at amino acid position 1774 to be replaced by an alanine (A). Based on data from gnomAD, the G allele has an overall frequency of 0.003% (1/31378) total alleles studied. The highest observed frequency was 0.012% (1/8704) of African alleles. Based on insufficient or conflicting evidence, the clinical significance of this alteration remains unclear.